The following is an entry in ClinVar:

ClinVar aggregate classification (germline): Uncertain significance (1 of 4 stars; one submission).

Submission:

Labcorp Genetics (formerly Invitae), Labcorp
Classification: Uncertain significance. Last evaluated: 2019-12-20. Review status: criteria provided, single submitter. Criteria: Invitae Variant Classification Sherloc (09022015). Collection method: clinical testing. Allele origin: germline.
Comment: This sequence change replaces leucine with valine at codon 844 of the GRM6 protein (p.Leu844Val). The leucine residue is moderately conserved and there is a small physicochemical difference between leucine and valine. This variant is not present in population databases (ExAC no frequency). This variant has not been reported in the literature in individuals with GRM6-related conditions. Algorithms developed to predict the effect of missense changes on protein structure and function (SIFT, PolyPhen-2, Align-GVGD) all suggest that this variant is likely to be tolerated, but these predictions have not been confirmed by published functional studies and their clinical significance is uncertain. In summary, the available evidence is currently insufficient to determine the role of this variant in disease. Therefore, it has been classified as a Variant of Uncertain Significance.

NM_000843.4(GRM6):c.2530C>G (p.Leu844Val)

Genes: GRM6 (glutamate metabotropic receptor 6; minus strand), ZNF454 (zinc finger protein 454; plus strand). Cytogenetic location: 5q35.3.
Variant type: single nucleotide variant.
Coding change: c.2530C>G on transcript NM_000843.4 (MANE Select); coding-DNA position 2530, C replaced by G.
Protein change: p.Leu844Val; replaces leucine 844 with valine.
Molecular consequence: missense variant.
Genome position (GRCh38, 1-based): chr5:178,981,761, G>C on the plus strand (C>G on the coding strand, the complement: GRM6 is on the minus strand). VCF-style: chr5-178981761-G-C. GRCh37 (hg19) VCF-style: chr5-178408762-G-C.
Other names: short protein forms L844V.
Identifiers: ClinVar variation 863565 (VCV000863565.9), dbSNP rs1760399415, ClinGen allele CA362423014.